The following is an entry in ClinVar:

NM_015474.4(SAMHD1):c.101C>T (p.Pro34Leu)

Gene: SAMHD1 (SAM and HD domain containing deoxynucleoside triphosphate triphosphohydrolase 1; minus strand). Cytogenetic location: 20q11.23.
Variant type: single nucleotide variant.
Coding change: c.101C>T on transcript NM_015474.4 (MANE Select); coding-DNA position 101, C replaced by T.
Protein change: p.Pro34Leu; replaces proline 34 with leucine.
Molecular consequence: missense variant.
Genome position (GRCh38, 1-based): chr20:36,951,543, G>A on the plus strand (C>T on the coding strand, the complement: SAMHD1 is on the minus strand). VCF-style: chr20-36951543-G-A. GRCh37 (hg19) VCF-style: chr20-35579946-G-A.
Other names: c.101C>T, p.Pro34Leu (NM_001363729.2, NM_001363733.2); short protein forms P34L.
Identifiers: ClinVar variation 1519971 (VCV001519971.6), dbSNP rs2063734567, ClinGen allele CA408832348.

ClinVar aggregate classification (germline): Uncertain significance (1 of 4 stars; one submission).

Conditions:
Aicardi-Goutieres syndrome 5. Identifiers: Orphanet 51, MedGen C2749659, MONDO:0013059, OMIM 612952.

Allele frequency attached by ClinVar (database versions not stated): gnomAD exomes below 0.00001.
gnomAD v4.1: 1 of 1,614,184 alleles (0.000062%); highest among the groups gnomAD compares: Non-Finnish European, 0.000085%; no homozygotes.

Submission:

Labcorp Genetics (formerly Invitae), Labcorp
Classification: Uncertain significance for Aicardi-Goutieres syndrome 5. Last evaluated: 2023-07-07. Review status: criteria provided, single submitter. Criteria: Invitae Variant Classification Sherloc (09022015). Collection method: clinical testing. Allele origin: germline.
Comment: Algorithms developed to predict the effect of missense changes on protein structure and function output the following: SIFT: "Not Available"; PolyPhen-2: "Benign"; Align-GVGD: "Not Available". The leucine amino acid residue is found in multiple mammalian species, which suggests that this missense change does not adversely affect protein function. ClinVar contains an entry for this variant (Variation ID: 1519971). This variant has not been reported in the literature in individuals affected with SAMHD1-related conditions. This variant is not present in population databases (gnomAD no frequency). This sequence change replaces proline, which is neutral and non-polar, with leucine, which is neutral and non-polar, at codon 34 of the SAMHD1 protein (p.Pro34Leu). In summary, the available evidence is currently insufficient to determine the role of this variant in disease. Therefore, it has been classified as a Variant of Uncertain Significance.